The following is an entry in ClinVar:

NM_001277313.2(FMN1):c.544C>T (p.Arg182Cys)

Gene: FMN1 (formin 1; minus strand). Cytogenetic location: 15q13.3.
Variant type: single nucleotide variant.
Coding change: c.544C>T on transcript NM_001277313.2 (MANE Select); coding-DNA position 544, C replaced by T.
Protein change: p.Arg182Cys; replaces arginine 182 with cysteine.
Molecular consequence: missense variant.
Genome position (GRCh38, 1-based): chr15:33,154,371, G>A on the plus strand (C>T on the coding strand, the complement: FMN1 is on the minus strand). VCF-style: chr15-33154371-G-A. GRCh37 (hg19) VCF-style: chr15-33446572-G-A.
Other names: c.544C>T, p.Arg182Cys (NM_001277314.2); short protein forms R182C.
Identifiers: ClinVar variation 1910035 (VCV001910035.5), dbSNP rs139191627, ClinGen allele CA268812341.

ClinVar aggregate classification (germline): Uncertain significance (1 of 4 stars; one submission).

Allele frequency attached by ClinVar (database versions not stated): gnomAD 0.00027; 1000 Genomes Project 30x 0.00062; 1000 Genomes Project 0.00080.
gnomAD v4.1: 99 of 1,536,092 alleles (0.0064%); highest among the groups gnomAD compares: African/African-American, 0.1%; no homozygotes.

Submission:

Labcorp Genetics (formerly Invitae), Labcorp
Classification: Uncertain significance. Last evaluated: 2025-08-31. Review status: criteria provided, single submitter. Criteria: Invitae Variant Classification Sherloc (09022015). Collection method: clinical testing. Allele origin: germline.
Comment: The FMN1 gene has multiple clinically relevant transcripts. This variant occurs in alternate transcript NM_001277314.1, and corresponds to NM_001103184.3:c.-86487C>T in the primary transcript. This sequence change replaces arginine, which is basic and polar, with cysteine, which is neutral and slightly polar, at codon 182 of the FMN1 protein (p.Arg182Cys). This variant is present in population databases (rs139191627, gnomAD 0.09%), and has an allele count higher than expected for a pathogenic variant. This variant has not been reported in the literature in individuals affected with FMN1-related conditions. Experimental studies and prediction algorithms are not available or were not evaluated, and the functional significance of this variant is currently unknown. In summary, the available evidence is currently insufficient to determine the role of this variant in disease. Therefore, it has been classified as a Variant of Uncertain Significance.